The following is an entry in ClinVar:

NM_005529.7(HSPG2):c.11360T>A (p.Phe3787Tyr)

Gene: HSPG2 (heparan sulfate proteoglycan 2; minus strand). Cytogenetic location: 1p36.12.
Variant type: single nucleotide variant.
Coding change: c.11360T>A on transcript NM_005529.7 (MANE Select); coding-DNA position 11360, T replaced by A.
Protein change: p.Phe3787Tyr; replaces phenylalanine 3787 with tyrosine.
Molecular consequence: missense variant.
Genome position (GRCh38, 1-based): chr1:21,831,555, A>T on the plus strand (T>A on the coding strand, the complement: HSPG2 is on the minus strand). VCF-style: chr1-21831555-A-T. GRCh37 (hg19) VCF-style: chr1-22158048-A-T.
Other names: c.11363T>A, p.Phe3788Tyr (NM_001291860.2); short protein forms F3788Y, F3787Y.
Identifiers: ClinVar variation 1984334 (VCV001984334.3), dbSNP rs2550623524, ClinGen allele CA338904038.

ClinVar aggregate classification (germline): Uncertain significance (1 of 4 stars; one submission).

Submission:

Labcorp Genetics (formerly Invitae), Labcorp
Classification: Uncertain significance. Last evaluated: 2022-07-09. Review status: criteria provided, single submitter. Criteria: Invitae Variant Classification Sherloc (09022015). Collection method: clinical testing. Allele origin: germline.
Comment: This sequence change replaces phenylalanine, which is neutral and non-polar, with tyrosine, which is neutral and polar, at codon 3787 of the HSPG2 protein (p.Phe3787Tyr). This variant is not present in population databases (gnomAD no frequency). This variant has not been reported in the literature in individuals affected with HSPG2-related conditions. Algorithms developed to predict the effect of missense changes on protein structure and function are either unavailable or do not agree on the potential impact of this missense change (SIFT: "Deleterious"; PolyPhen-2: "Probably Damaging"; Align-GVGD: "Class C0"). In summary, the available evidence is currently insufficient to determine the role of this variant in disease. Therefore, it has been classified as a Variant of Uncertain Significance.